The following is an entry in ClinVar:

NM_147127.5(EVC2):c.2643G>C (p.Gln881His)

Gene: EVC2 (EvC ciliary complex subunit 2; minus strand). Cytogenetic location: 4p16.2.
Variant type: single nucleotide variant.
Coding change: c.2643G>C on transcript NM_147127.5 (MANE Select); coding-DNA position 2643, G replaced by C.
Protein change: p.Gln881His; replaces glutamine 881 with histidine.
Molecular consequence: missense variant.
Genome position (GRCh38, 1-based): chr4:5,618,541, C>G on the plus strand (G>C on the coding strand, the complement: EVC2 is on the minus strand). VCF-style: chr4-5618541-C-G. GRCh37 (hg19) VCF-style: chr4-5620268-C-G.
Other names: c.2403G>C, p.Gln801His (NM_001166136.2); short protein forms Q801H, Q881H.
Identifiers: ClinVar variation 2052814 (VCV002052814.2), dbSNP rs182321411, ClinGen allele CA2834642.

ClinVar aggregate classification (germline): Uncertain significance (1 of 4 stars; one submission).

Conditions:
Ellis-van Creveld syndrome (EVC). Also called: Chondroectodermal dysplasia; MESOECTODERMAL DYSPLASIA; EVC-Related Ellis-van Creveld Syndrome; EVC2-Related Ellis-van Creveld Syndrome. Identifiers: Orphanet 289, MedGen C0013903, MONDO:0009162, OMIM 225500.
Curry-Hall syndrome (WAD). Also called: WEYERS ACRODENTAL DYSOSTOSIS. Identifiers: Orphanet 952, MedGen C0457013, MONDO:0008673, OMIM 193530.

Allele frequency attached by ClinVar (database versions not stated): gnomAD 0.00002; TOPMed 0.00003; 1000 Genomes Project 30x 0.00016; 1000 Genomes Project 0.00020.
gnomAD v4.1: 32 of 1,614,156 alleles (0.002%); highest among the groups gnomAD compares: East Asian, 0.045%; no homozygotes.

Submission:

Labcorp Genetics (formerly Invitae), Labcorp
Classification: Uncertain significance for Curry-Hall syndrome; Ellis-van Creveld syndrome. Last evaluated: 2024-04-09. Review status: criteria provided, single submitter. Criteria: Invitae Variant Classification Sherloc (09022015). Collection method: clinical testing. Allele origin: germline.
Comment: This sequence change replaces glutamine, which is neutral and polar, with histidine, which is basic and polar, at codon 881 of the EVC2 protein (p.Gln881His). This variant is present in population databases (rs182321411, gnomAD 0.08%). This variant has not been reported in the literature in individuals affected with EVC2-related conditions. ClinVar contains an entry for this variant (Variation ID: 2052814). Algorithms developed to predict the effect of missense changes on protein structure and function output the following: SIFT: "Not Available"; PolyPhen-2: "Benign"; Align-GVGD: "Not Available". The histidine amino acid residue is found in multiple mammalian species, which suggests that this missense change does not adversely affect protein function. In summary, the available evidence is currently insufficient to determine the role of this variant in disease. Therefore, it has been classified as a Variant of Uncertain Significance.